The following is an entry in ClinVar:

ClinVar aggregate classification (germline): Uncertain significance. Review status: criteria provided, multiple submitters, no conflicts (2 of 4 stars). 2 submissions from 2 submitters: Uncertain significance (2). Last evaluated 2024-12-23.

Conditions:
Cardiovascular phenotype. Identifiers: MedGen CN230736.
Atrioventricular septal defect 4 (AVSD4). Identifiers: MedGen C3280781, MONDO:0013747, OMIM 614430.

Submissions (2):

Labcorp Genetics (formerly Invitae), Labcorp
Classification: Uncertain significance for Atrioventricular septal defect 4. Last evaluated: 2024-12-23. Review status: criteria provided, single submitter. Criteria: Invitae Variant Classification Sherloc (09022015). Collection method: clinical testing. Allele origin: germline.
Comment: This sequence change replaces glycine, which is neutral and non-polar, with arginine, which is basic and polar, at codon 50 of the GATA4 protein (p.Gly50Arg). This variant is not present in population databases (gnomAD no frequency). This variant has not been reported in the literature in individuals affected with GATA4-related conditions. ClinVar contains an entry for this variant (Variation ID: 2172385). Invitae Evidence Modeling of protein sequence and biophysical properties (such as structural, functional, and spatial information, amino acid conservation, physicochemical variation, residue mobility, and thermodynamic stability) has been performed for this missense variant. However, the output from this modeling did not meet the statistical confidence thresholds required to predict the impact of this variant on GATA4 protein function. In summary, the available evidence is currently insufficient to determine the role of this variant in disease. Therefore, it has been classified as a Variant of Uncertain Significance.

Ambry Genetics
Classification: Uncertain significance for Cardiovascular phenotype. Last evaluated: 2023-07-27. Review status: criteria provided, single submitter. Criteria: Ambry Variant Classification Scheme 2023. Collection method: clinical testing. Allele origin: germline.
Comment: The p.G50R variant (also known as c.148G>C), located in coding exon 1 of the GATA4 gene, results from a G to C substitution at nucleotide position 148. The glycine at codon 50 is replaced by arginine, an amino acid with dissimilar properties. This amino acid position is conserved. In addition, this alteration is predicted to be tolerated by in silico analysis. Since supporting evidence is limited at this time, the clinical significance of this alteration remains unclear.

NM_001308093.3(GATA4):c.148G>C (p.Gly50Arg)

Gene: GATA4 (GATA binding protein 4). Cytogenetic location: 8p23.1.
Variant type: single nucleotide variant.
Coding change: c.148G>C on transcript NM_001308093.3 (MANE Select); coding-DNA position 148, G replaced by C.
Protein change: p.Gly50Arg; replaces glycine 50 with arginine.
Molecular consequence: missense variant. On other transcripts: intron variant (3).
Genome position (GRCh38, 1-based): chr8:11,708,460, G>C. VCF-style: chr8-11708460-G-C. GRCh37 (hg19) VCF-style: chr8-11565969-G-C.
Other names: c.148G>C, p.Gly50Arg (NM_002052.5); c.-6+7682G>C (NM_001308094.2); c.-3+446G>C (NM_001374274.1); c.-3+4156G>C (NM_001374273.1); c.148G>C (NM_002052.3); short protein forms G50R.
Identifiers: ClinVar variation 2172385 (VCV002172385.6), dbSNP rs1799999337, ClinGen allele CA370309000.